The following is an entry in ClinVar:

NM_020921.4(NIN):c.5301+6T>C

Gene: NIN (ninein; minus strand). Cytogenetic location: 14q22.1.
Variant type: single nucleotide variant.
Coding change: c.5301+6T>C on transcript NM_020921.4 (MANE Select); 6 bases into the intron after coding-DNA position 5301, T replaced by C.
Molecular consequence: intron variant.
Genome position (GRCh38, 1-based): chr14:50,743,410, A>G on the plus strand (T>C on the coding strand, the complement: NIN is on the minus strand). VCF-style: chr14-50743410-A-G. GRCh37 (hg19) VCF-style: chr14-51210128-A-G.
Other names: c.3162+6T>C (NM_016350.5); c.5301+6T>C (NM_182946.2, NM_182944.3).
Identifiers: ClinVar variation 3654743 (VCV003654743.2).
Genomic context (GRCh38, chr14:50,743,410, plus strand): 5'-GGGATTTCTGTTGGAAGATCTAGGAGAATACTAACCGTGAAGATGAAACAAGAATTGTCC[A>G]TGTACCTTTTCCTGAGAAGCCACCAGCTGTGACTTTAAGCTCGCACTCTGATGTTCCCAG-3'

ClinVar aggregate classification (germline): Uncertain significance (1 of 4 stars; one submission).

gnomAD v4.1: 44 of 1,555,312 alleles (0.0028%); highest among the groups gnomAD compares: Non-Finnish European, 0.0036%; no homozygotes.

Submission:

Labcorp Genetics (formerly Invitae), Labcorp
Classification: Uncertain significance. Last evaluated: 2024-03-12. Review status: criteria provided, single submitter. Criteria: Invitae Variant Classification Sherloc (09022015). Collection method: clinical testing. Allele origin: germline.
Comment: This sequence change falls in intron 24 of the NIN gene. It does not directly change the encoded amino acid sequence of the NIN protein. It affects a nucleotide within the consensus splice site. This variant is present in population databases (rs371002768, gnomAD 0.007%). This variant has not been reported in the literature in individuals affected with NIN-related conditions. Variants that disrupt the consensus splice site are a relatively common cause of aberrant splicing (PMID: 17576681, 9536098). Algorithms developed to predict the effect of sequence changes on RNA splicing suggest that this variant may create or strengthen a splice site. In summary, the available evidence is currently insufficient to determine the role of this variant in disease. Therefore, it has been classified as a Variant of Uncertain Significance.

Literature cited by the submitters: PubMed 17576681; PubMed 9536098.